The following is an entry in ClinVar:

ClinVar aggregate classification (germline): Uncertain significance. Review status: criteria provided, multiple submitters, no conflicts (2 of 4 stars). 2 submissions from 2 submitters: Uncertain significance (2). Last evaluated 2026-04-22.

Conditions:
Renal cell carcinoma. Identifiers: Orphanet 217071, MedGen C0007134, MeSH D002292, MONDO:0005086, HP:0005584.

Submissions (2):

Dasa
Classification: Uncertain significance. Last evaluated: 2026-04-22. Review status: criteria provided, single submitter. Criteria: DASA Assertion Criteria. Collection method: clinical testing. Allele origin: germline.
Comment: NM_000245.4(MET):c.3340+6T>A is a splice-region variant predicted to affect normal RNA splicing. This variant is absent from population databases. The currently available literature and clinical evidence are not sufficient to establish a definitive association between this variant and the reported condition. Therefore, this variant is classified as a variant of uncertain significance.

Labcorp Genetics (formerly Invitae), Labcorp
Classification: Uncertain significance for Renal cell carcinoma. Last evaluated: 2023-07-07. Review status: criteria provided, single submitter. Criteria: Invitae Variant Classification Sherloc (09022015). Collection method: clinical testing. Allele origin: germline.
Comment: In summary, the available evidence is currently insufficient to determine the role of this variant in disease. Therefore, it has been classified as a Variant of Uncertain Significance. Variants that disrupt the consensus splice site are a relatively common cause of aberrant splicing (PMID: 17576681, 9536098). Algorithms developed to predict the effect of sequence changes on RNA splicing suggest that this variant is not likely to affect RNA splicing. This variant has not been reported in the literature in individuals affected with MET-related conditions. This variant is not present in population databases (gnomAD no frequency). This sequence change falls in intron 16 of the MET gene. It does not directly change the encoded amino acid sequence of the MET protein. It affects a nucleotide within the consensus splice site.

Literature cited by the submitters: PubMed 17576681 (cited by Labcorp Genetics (formerly Invitae), Labcorp); PubMed 9536098 (cited by Labcorp Genetics (formerly Invitae), Labcorp).

NM_000245.4(MET):c.3340+6T>A

Gene: MET (MET proto-oncogene, receptor tyrosine kinase; plus strand). Cytogenetic location: 7q31.2.
Variant type: single nucleotide variant.
Coding change: c.3340+6T>A on transcript NM_000245.4 (MANE Select); 6 bases into the intron after coding-DNA position 3340, T replaced by A.
Molecular consequence: intron variant.
Genome position (GRCh38, 1-based): chr7:116,777,475, T>A. VCF-style: chr7-116777475-T-A. GRCh37 (hg19) VCF-style: chr7-116417529-T-A.
Other names: c.3394+6T>A (NM_001127500.3); c.2050+6T>A (NM_001324402.2).
Identifiers: ClinVar variation 2998578 (VCV002998578.5), dbSNP rs1240062915, ClinGen allele CA2740097510.